The following is an entry in ClinVar:

ClinVar aggregate classification (germline): Uncertain significance (1 of 4 stars; one submission).

Allele frequency attached by ClinVar (database versions not stated): gnomAD exomes below 0.00001 and 0.00001; gnomAD 0.00001; TOPMed 0.00002.
gnomAD v4.1: 13 of 1,613,940 alleles (0.00081%); highest among the groups gnomAD compares: African/African-American, 0.0027%; no homozygotes.

Submission:

Labcorp Genetics (formerly Invitae), Labcorp
Classification: Uncertain significance. Last evaluated: 2021-12-06. Review status: criteria provided, single submitter. Criteria: Invitae Variant Classification Sherloc (09022015). Collection method: clinical testing. Allele origin: germline.
Comment: This variant is present in population databases (rs776348326, gnomAD 0.004%). This sequence change replaces valine, which is neutral and non-polar, with methionine, which is neutral and non-polar, at codon 825 of the SORL1 protein (p.Val825Met). This variant has not been reported in the literature in individuals affected with SORL1-related conditions. Algorithms developed to predict the effect of missense changes on protein structure and function are either unavailable or do not agree on the potential impact of this missense change (SIFT: "Deleterious"; PolyPhen-2: "Probably Damaging"; Align-GVGD: "Class C0"). In summary, the available evidence is currently insufficient to determine the role of this variant in disease. Therefore, it has been classified as a Variant of Uncertain Significance.

NM_003105.6(SORL1):c.2473G>A (p.Val825Met)

Gene: SORL1 (sortilin related receptor 1; plus strand). Cytogenetic location: 11q24.1.
Variant type: single nucleotide variant.
Coding change: c.2473G>A on transcript NM_003105.6 (MANE Select); coding-DNA position 2473, G replaced by A.
Protein change: p.Val825Met; replaces valine 825 with methionine.
Molecular consequence: missense variant.
Genome position (GRCh38, 1-based): chr11:121,555,220, G>A. VCF-style: chr11-121555220-G-A. GRCh37 (hg19) VCF-style: chr11-121425929-G-A.
Other names: short protein forms V825M.
Identifiers: ClinVar variation 1413335 (VCV001413335.6), dbSNP rs776348326, ClinGen allele CA229899328.